The following is an entry in ClinVar:

ClinVar aggregate classification (germline): Uncertain significance. Review status: criteria provided, multiple submitters, no conflicts (2 of 4 stars). 2 submissions from 2 submitters: Uncertain significance (2). Last evaluated 2024-08-19.

Conditions:
Hereditary cancer-predisposing syndrome. Also called: Hereditary Cancer Syndrome; Tumor predisposition; Hereditary neoplastic syndrome; Neoplastic Syndromes, Hereditary. Identifiers: Orphanet 140162, MedGen C0027672, MeSH D009386, MONDO:0015356.

Submissions (2):

Ambry Genetics
Classification: Uncertain significance for Hereditary cancer-predisposing syndrome. Last evaluated: 2024-08-19. Review status: criteria provided, single submitter. Criteria: Ambry Variant Classification Scheme 2023. Collection method: clinical testing. Allele origin: germline.
Comment: The p.P286R variant (also known as c.857C>G), located in coding exon 5 of the MSH3 gene, results from a C to G substitution at nucleotide position 857. The proline at codon 286 is replaced by arginine, an amino acid with dissimilar properties. This amino acid position is conserved. In addition, this alteration is predicted to be deleterious by in silico analysis. Based on the available evidence, the clinical significance of this variant remains unclear.

Labcorp Genetics (formerly Invitae), Labcorp
Classification: Uncertain significance. Last evaluated: 2024-06-13. Review status: criteria provided, single submitter. Criteria: Invitae Variant Classification Sherloc (09022015). Collection method: clinical testing. Allele origin: germline.
Comment: This sequence change replaces proline, which is neutral and non-polar, with arginine, which is basic and polar, at codon 286 of the MSH3 protein (p.Pro286Arg). This variant is not present in population databases (gnomAD no frequency). This variant has not been reported in the literature in individuals affected with MSH3-related conditions. An algorithm developed to predict the effect of missense changes on protein structure and function (PolyPhen-2) suggests that this variant is likely to be disruptive. In summary, the available evidence is currently insufficient to determine the role of this variant in disease. Therefore, it has been classified as a Variant of Uncertain Significance.

NM_002439.5(MSH3):c.857C>G (p.Pro286Arg)

Gene: MSH3 (mutS homolog 3; plus strand). Cytogenetic location: 5q14.1.
Variant type: single nucleotide variant.
Coding change: c.857C>G on transcript NM_002439.5 (MANE Select); coding-DNA position 857, C replaced by G.
Protein change: p.Pro286Arg; replaces proline 286 with arginine.
Molecular consequence: missense variant.
Genome position (GRCh38, 1-based): chr5:80,672,308, C>G. VCF-style: chr5-80672308-C-G. GRCh37 (hg19) VCF-style: chr5-79968127-C-G.
Other names: short protein forms P286R.
Identifiers: ClinVar variation 3398666 (VCV003398666.3).